The following is an entry in ClinVar:

ClinVar aggregate classification (germline): Benign/Likely benign. Review status: criteria provided, multiple submitters, no conflicts (2 of 4 stars). 3 submissions from 3 submitters: Benign (2); Likely benign (1). Last evaluated 2025-10-11.

Allele frequency attached by ClinVar (database versions not stated): 1000 Genomes Project 30x 0.00172; 1000 Genomes Project 0.00180.
gnomAD v4.1: 677 of 1,550,444 alleles (0.044%); highest among the groups gnomAD compares: South Asian, 0.73%; 9 homozygotes.

Submissions (3):

Labcorp Genetics (formerly Invitae), Labcorp
Classification: Benign. Last evaluated: 2025-10-11. Review status: criteria provided, single submitter. Criteria: Invitae Variant Classification Sherloc (09022015). Collection method: clinical testing. Allele origin: germline.

CeGaT Center for Human Genetics Tuebingen
Classification: Likely benign. Last evaluated: 2023-04-01. Review status: criteria provided, single submitter. Criteria: CeGaT Center For Human Genetics Tuebingen Variant Classification Criteria Version 2. Collection method: clinical testing. Allele origin: germline. Affected: yes. Observed: 1 variant allele.
Comment: PIEZO1: BP4, BP7, BS2

ARUP Laboratories, Molecular Genetics and Genomics, ARUP Laboratories
Classification: Benign. Last evaluated: 2022-09-15. Review status: criteria provided, single submitter. Criteria: ARUP Molecular Germline Variant Investigation Process 2021. Collection method: clinical testing. Allele origin: germline.

NM_001142864.4(PIEZO1):c.6231C>G (p.Ser2077=)

Gene: PIEZO1 (piezo type mechanosensitive ion channel component 1 (Er blood group); minus strand). Cytogenetic location: 16q24.3.
Variant type: single nucleotide variant.
Coding change: c.6231C>G on transcript NM_001142864.4 (MANE Select); coding-DNA position 6231, C replaced by G.
Protein change: p.Ser2077=; no amino-acid change (serine 2077 retained).
Molecular consequence: synonymous variant.
Genome position (GRCh38, 1-based): chr16:88,719,894, G>C on the plus strand (C>G on the coding strand, the complement: PIEZO1 is on the minus strand). VCF-style: chr16-88719894-G-C. GRCh37 (hg19) VCF-style: chr16-88786302-G-C.
Other names: c.4773C>G, p.Ser1591= (NM_014745.1).
Identifiers: ClinVar variation 2085665 (VCV002085665.30), dbSNP rs142188206, ClinGen allele CA8231674.
Genomic context (GRCh38, chr16:88,719,894, plus strand): 5'-CTTCTTGGTGAGGAAGTTGCCGAGGATGCGGGTGGGGTAGCCGCAGCGGATCTGGTAGGC[G>C]GACAGGGCGAAGTAGATGCACTTCACGAAGTACCAGAGCTGGGCCACCACATTCTGGTTG-3'
Protein context (NP_001136336.2, residues 2067-2087): YFVKCIYFAL[Ser2077=]AYQIRCGYPT